The following is an entry in ClinVar:

NM_000258.3(MYL3):c.223C>T (p.Gln75Ter)

Gene: MYL3 (myosin light chain 3; minus strand). Cytogenetic location: 3p21.31.
Variant type: single nucleotide variant.
Coding change: c.223C>T on transcript NM_000258.3 (MANE Select); coding-DNA position 223, C replaced by T.
Protein change: p.Gln75Ter; replaces glutamine 75 with a stop codon.
Molecular consequence: nonsense.
Genome position (GRCh38, 1-based): chr3:46,860,760, G>A on the plus strand (C>T on the coding strand, the complement: MYL3 is on the minus strand). VCF-style: chr3-46860760-G-A. GRCh37 (hg19) VCF-style: chr3-46902250-G-A.
Other names: c.223C>T, p.Gln75Ter (NM_001406937.1, NM_001406938.1, NM_001406939.1); c.49C>T, p.Gln17Ter (NM_001406940.1, NM_001406941.1); short protein forms Q17*, Q75*.
Identifiers: ClinVar variation 3387383 (VCV003387383.1).

ClinVar aggregate classification (germline): Uncertain significance (1 of 4 stars; one submission).

Conditions:
Hypertrophic cardiomyopathy. Also called: HYPERTROPHIC MYOCARDIOPATHY. Identifiers: Orphanet 217569, MedGen C0007194, MeSH D002312, MONDO:0005045, HP:0001639.

Submission:

All of Us Research Program, National Institutes of Health
Classification: Uncertain significance for Hypertrophic cardiomyopathy. Last evaluated: 2024-03-05. Review status: criteria provided, single submitter. Criteria: ACMG Guidelines, 2015. Collection method: clinical testing. Allele origin: germline. Inheritance: Autosomal dominant inheritance. Observed: 1 variant allele, 1 heterozygote.
Comment: This study involves interpretation of variants in research participants for the purpose of population health screening. Participant phenotype was not available at the time of variant classification. Additional details can be found in publication PMID: 35346344, PMCID: PMC8962531